The following is an entry in ClinVar:

NM_001082486.2(ACD):c.-6G>A

Gene: ACD (ACD shelterin complex subunit and telomerase recruitment factor; minus strand). Cytogenetic location: 16q22.1.
Variant type: single nucleotide variant.
Coding change: c.-6G>A on transcript NM_001082486.2 (MANE Select); 6 bases upstream of the start codon, G replaced by A.
Molecular consequence: 5 prime UTR variant.
Genome position (GRCh38, 1-based): chr16:67,660,226, C>T on the plus strand (G>A on the coding strand, the complement: ACD is on the minus strand). VCF-style: chr16-67660226-C-T. GRCh37 (hg19) VCF-style: chr16-67694129-C-T.
Other names: c.-6G>A (NM_001410884.1, NM_022914.3).
Identifiers: ClinVar variation 1792808 (VCV001792808.5), dbSNP rs762014701, ClinGen allele CA8114849.
Genomic context (GRCh38, chr16:67,660,226, plus strand): 5'-CCAGAATCAGCTCCCGAATCCAGGGCCGTAGGACCAGCCTCCCCGAACCTGCCATCCCCA[C>T]GGCTACACCCAGCGGATGCAACGGGCCCGGGTTTCCCGCGGGCGCCCAGGCCCCGCCTTT-3'

ClinVar aggregate classification (germline): Uncertain significance. Review status: criteria provided, multiple submitters, no conflicts (2 of 4 stars). 2 submissions from 2 submitters: Uncertain significance (2). Last evaluated 2024-12-13.

Conditions:
Dyskeratosis congenita, autosomal dominant 6 (DKCA6). Identifiers: Orphanet 3322, MedGen C4225284, MONDO:0014690, OMIM 616553.
Inborn genetic diseases. Identifiers: MedGen C0950123, MeSH D030342.

Allele frequency attached by ClinVar (database versions not stated): gnomAD exomes 0.00002; ExAC 0.00001; TOPMed 0.00001.
gnomAD v4.1: 29 of 1,612,718 alleles (0.0018%); highest among the groups gnomAD compares: Non-Finnish European, 0.0024%; no homozygotes.

Submissions (2):

Labcorp Genetics (formerly Invitae), Labcorp
Classification: Uncertain significance for Dyskeratosis congenita, autosomal dominant 6. Last evaluated: 2024-12-13. Review status: criteria provided, single submitter. Criteria: Invitae Variant Classification Sherloc (09022015). Collection method: clinical testing. Allele origin: germline.
Comment: This sequence change replaces valine, which is neutral and non-polar, with methionine, which is neutral and non-polar, at codon 85 of the ACD protein (p.Val85Met). This variant is present in population databases (rs762014701, gnomAD 0.003%). This variant has not been reported in the literature in individuals affected with ACD-related conditions. ClinVar contains an entry for this variant (Variation ID: 1792808). An algorithm developed to predict the effect of missense changes on protein structure and function (PolyPhen-2) suggests that this variant is likely to be tolerated. In summary, the available evidence is currently insufficient to determine the role of this variant in disease. Therefore, it has been classified as a Variant of Uncertain Significance.

Ambry Genetics
Classification: Uncertain significance for Inborn genetic diseases. Last evaluated: 2024-11-11. Review status: criteria provided, single submitter. Criteria: Ambry Variant Classification Scheme 2023. Collection method: clinical testing. Allele origin: germline.
Comment: The p.V85M variant (also known as c.253G>A), located in coding exon 1 of the ACD gene, results from a G to A substitution at nucleotide position 253. The valine at codon 85 is replaced by methionine, an amino acid with highly similar properties. This amino acid position is conserved. In addition, this alteration is predicted to be tolerated by in silico analysis. Since supporting evidence is limited at this time, the clinical significance of this alteration remains unclear.